The following is an entry in ClinVar:

NM_000587.4(C7):c.1906C>G (p.Leu636Val)

Gene: C7 (complement C7; plus strand). Cytogenetic location: 5p13.1.
Variant type: single nucleotide variant.
Coding change: c.1906C>G on transcript NM_000587.4 (MANE Select); coding-DNA position 1906, C replaced by G.
Protein change: p.Leu636Val; replaces leucine 636 with valine.
Molecular consequence: missense variant.
Genome position (GRCh38, 1-based): chr5:40,972,426, C>G. VCF-style: chr5-40972426-C-G. GRCh37 (hg19) VCF-style: chr5-40972528-C-G.
Other names: short protein forms L636V.
Identifiers: ClinVar variation 3680698 (VCV003680698.2).

ClinVar aggregate classification (germline): Uncertain significance (1 of 4 stars; one submission).

gnomAD v4.1: 1 of 1,613,842 alleles (0.000062%); highest among the groups gnomAD compares: Non-Finnish European, 0.000085%; no homozygotes.

Submission:

Labcorp Genetics (formerly Invitae), Labcorp
Classification: Uncertain significance. Last evaluated: 2024-08-10. Review status: criteria provided, single submitter. Criteria: Invitae Variant Classification Sherloc (09022015). Collection method: clinical testing. Allele origin: germline.
Comment: This sequence change replaces leucine, which is neutral and non-polar, with valine, which is neutral and non-polar, at codon 636 of the C7 protein (p.Leu636Val). This variant is not present in population databases (gnomAD no frequency). This variant has not been reported in the literature in individuals affected with C7-related conditions. Advanced modeling of protein sequence and biophysical properties (such as structural, functional, and spatial information, amino acid conservation, physicochemical variation, residue mobility, and thermodynamic stability) performed at Invitae indicates that this missense variant is not expected to disrupt C7 protein function with a negative predictive value of 80%. In summary, the available evidence is currently insufficient to determine the role of this variant in disease. Therefore, it has been classified as a Variant of Uncertain Significance.